The following is an entry in ClinVar:

ClinVar aggregate classification (germline): Pathogenic. Review status: criteria provided, multiple submitters, no conflicts (2 of 4 stars). 2 submissions from 2 submitters: Pathogenic (2). Last evaluated 2025-05-15.

Conditions:
Stuve-Wiedemann syndrome (STWS). Also called: Stüve-Wiedemann syndrome. Identifiers: Orphanet 3206, MedGen C0796176, MONDO:0031280.

Submissions (2):

Natera, Inc.
Classification: Pathogenic for Stuve-Wiedemann syndrome. Last evaluated: 2025-05-15. Review status: criteria provided, single submitter. Criteria: Natera Variant Classification Schema (03/2026). Collection method: clinical testing. Allele origin: germline.
Comment: The c.704G>A variant in LIFR is a nonsense variant predicted to introduce a stop codon at amino acid 235. This variant is expected to result in nonsense mediated decay, truncation, or a dysfunctional protein product. This variant is rare in the general population with a frequency below the threshold expected for the associated phenotype(s). This variant has been observed in one or more individuals affected with the associated recessive disease, as either homozygous or compound heterozygous with a second variant (PMID: 37295610). Given the available evidence, this variant is classified as Pathogenic.

Labcorp Genetics (formerly Invitae), Labcorp
Classification: Pathogenic. Last evaluated: 2022-07-13. Review status: criteria provided, single submitter. Criteria: Invitae Variant Classification Sherloc (09022015). Collection method: clinical testing. Allele origin: germline.
Comment: This sequence change creates a premature translational stop signal (p.Trp235*) in the LIFR gene. It is expected to result in an absent or disrupted protein product. Loss-of-function variants in LIFR are known to be pathogenic (PMID: 14740318). This variant is not present in population databases (gnomAD no frequency). This variant has not been reported in the literature in individuals affected with LIFR-related conditions. For these reasons, this variant has been classified as Pathogenic.

Literature cited by the submitters: PubMed 37295610 (cited by Natera, Inc.); PubMed 14740318 (cited by Labcorp Genetics (formerly Invitae), Labcorp).

NM_001127671.2(LIFR):c.704G>A (p.Trp235Ter)

Gene: LIFR (LIF receptor subunit alpha; minus strand). Cytogenetic location: 5p13.1.
Variant type: single nucleotide variant.
Coding change: c.704G>A on transcript NM_001127671.2 (MANE Select); coding-DNA position 704, G replaced by A.
Protein change: p.Trp235Ter; replaces tryptophan 235 with a stop codon.
Molecular consequence: nonsense.
Genome position (GRCh38, 1-based): chr5:38,511,822, C>T on the plus strand (G>A on the coding strand, the complement: LIFR is on the minus strand). VCF-style: chr5-38511822-C-T. GRCh37 (hg19) VCF-style: chr5-38511924-C-T.
Other names: c.704G>A, p.Trp235Ter (NM_001364297.2, NM_001364298.2, NM_002310.6); c.704G>A (NM_002310.5); short protein forms W235*.
Identifiers: ClinVar variation 2099347 (VCV002099347.6), dbSNP rs2531071168, ClinGen allele CA359547592.
Genomic context (GRCh38, chr5:38,511,822, plus strand): 5'-AACAAACATTCTTTAAATATAAGCTTACAAGAAATGTTCTTCACAGGGCTCCAGTCACTC[C>T]ACTCTTCGAGACCAGAAAAATGAAGATTGTCAATGTAGCATCTAATTTCCACAAAATGAA-3'